The following is an entry in ClinVar:

NC_000023.10:g.(?_31838072)_(31897527_?)del

Gene: DMD (dystrophin; minus strand). Cytogenetic location: Xp21.1.
Variant type: Deletion.
Identifiers: ClinVar variation 1459157 (VCV001459157.6).

ClinVar aggregate classification (germline): Pathogenic (1 of 4 stars; one submission).

Conditions:
Duchenne muscular dystrophy (DMD). Also called: Duchenne Muscular Dystrophy (DMD); MUSCULAR DYSTROPHY, PSEUDOHYPERTROPHIC PROGRESSIVE, DUCHENNE TYPE. Identifiers: Orphanet 98896, MedGen C0013264, MONDO:0010679, OMIM 310200.

Submission:

Labcorp Genetics (formerly Invitae), Labcorp
Classification: Pathogenic for Duchenne muscular dystrophy. Last evaluated: 2023-12-25. Review status: criteria provided, single submitter. Criteria: Invitae Variant Classification Sherloc (09022015). Collection method: clinical testing. Allele origin: germline.
Comment: This variant is a gross deletion of the genomic region encompassing exon(s) 48-50 of the DMD gene. This deletion is out-of-frame, and is expected to create a premature termination codon and result in an absent or disrupted protein product. Loss-of-function variants in DMD are known to be pathogenic (PMID: 16770791, 25007885). A similar copy number variant has been observed in individuals with Duchenne muscular dystrophy (PMID: 9800909, 10392746, 16917894). For these reasons, this variant has been classified as Pathogenic.

Literature cited by the submitters: PubMed 16770791; PubMed 25007885; PubMed 9800909; PubMed 10392746; PubMed 16917894.